The following is an entry in ClinVar:

NM_004134.7(HSPA9):c.1515+7del

Gene: HSPA9 (heat shock protein family A (Hsp70) member 9; minus strand). Cytogenetic location: 5q31.2.
Variant type: Deletion.
Coding change: c.1515+7del on transcript NM_004134.7 (MANE Select); 7 bases into the intron after coding-DNA position 1515, one base deleted (T; older notation c.1515+7delT).
Molecular consequence: intron variant.
Genome position (GRCh38, 1-based): chr5:138,558,546, A deleted on the plus strand (T on the coding strand, the reverse complement: HSPA9 is on the minus strand); the first of 2 consecutive A bases (chr5:138,558,546-138,558,547); deleting either gives the same sequence. VCF-style (leftmost placement, unchanged base first): chr5-138558545-TA-T. GRCh37 (hg19) VCF-style: chr5-137894234-TA-T.
Other names: c.1515+7delT (NM_004134.6).
Identifiers: ClinVar variation 786063 (VCV000786063.5), dbSNP rs199858483, ClinGen allele CA3430765.

ClinVar aggregate classification (germline): Benign. Review status: criteria provided, single submitter (1 of 4 stars). 2 submissions from 2 submitters: Benign (1). 1 of the submissions does not count toward it. Last evaluated 2019-12-31.

Conditions:
HSPA9-related disorder. Also called: HSPA9-related condition.

Submissions (2):

Labcorp Genetics (formerly Invitae), Labcorp
Classification: Benign. Last evaluated: 2019-12-31. Review status: criteria provided, single submitter. Criteria: Invitae Variant Classification Sherloc (09022015). Collection method: clinical testing. Allele origin: germline.

PreventionGenetics, part of Exact Sciences
Classification: Likely benign for HSPA9-related condition. Last evaluated: 2024-07-25. Review status: no assertion criteria provided. Collection method: clinical testing. Allele origin: germline. Not counted in ClinVar's aggregate classification.
Comment: This variant is classified as likely benign based on ACMG/AMP sequence variant interpretation guidelines (Richards et al. 2015 PMID: 25741868, with internal and published modifications).